The following is an entry in ClinVar:

NM_024408.4(NOTCH2):c.4692C>T (p.Ser1564=)

Gene: NOTCH2 (notch receptor 2; minus strand). Cytogenetic location: 1p12.
Variant type: single nucleotide variant.
Coding change: c.4692C>T on transcript NM_024408.4 (MANE Select); coding-DNA position 4692, C replaced by T.
Protein change: p.Ser1564=; no amino-acid change (serine 1564 retained).
Molecular consequence: synonymous variant.
Genome position (GRCh38, 1-based): chr1:119,923,804, G>A on the plus strand (C>T on the coding strand, the complement: NOTCH2 is on the minus strand). VCF-style: chr1-119923804-G-A. GRCh37 (hg19) VCF-style: chr1-120466427-G-A.
Identifiers: ClinVar variation 5001076 (VCV005001076.1).

ClinVar aggregate classification (germline): Likely benign (1 of 4 stars; one submission).

Conditions:
NOTCH2-related disorder. Also called: NOTCH2-related condition.

gnomAD v4.1: 2 of 1,614,062 alleles (0.00012%); highest among the groups gnomAD compares: African/African-American, 0.0013%; no homozygotes.

Submission:

PreventionGenetics, part of Exact Sciences
Classification: Likely benign for NOTCH2-related condition. Last evaluated: 2025-04-01. Review status: criteria provided, single submitter. Criteria: ACMG Guidelines, 2015. Collection method: clinical testing. Allele origin: germline.
Comment: This variant is classified as likely benign based on ACMG/AMP sequence variant interpretation guidelines (Richards et al. 2015 PMID: 25741868, with internal and published modifications).